The following is an entry in ClinVar:

NM_006371.5(CRTAP):c.*2943A>G

Gene: CRTAP (cartilage associated protein; plus strand). Cytogenetic location: 3p22.3.
Variant type: single nucleotide variant.
Coding change: c.*2943A>G on transcript NM_006371.5 (MANE Select); 2943 bases downstream of the stop codon, A replaced by G.
Molecular consequence: 3 prime UTR variant.
Genome position (GRCh38, 1-based): chr3:33,145,391, A>G. VCF-style: chr3-33145391-A-G. GRCh37 (hg19) VCF-style: chr3-33186883-A-G.
Identifiers: ClinVar variation 344856 (VCV000344856.5), dbSNP rs115684525, ClinGen allele CA10616188.
Genomic context (GRCh38, chr3:33,145,391, plus strand): 5'-GTTTGGCCCGAGGAGTCAGTGTTATTACTGGTGGATGCACCGTGTCCACAGCAGCCCCCA[A>G]TCCCAGCGATGCGTCAGATCTTACGTGGCTTCCTGCTGGGGGAGATGGCCTTCACCCACG-3'

ClinVar aggregate classification (germline): Likely benign (1 of 4 stars; one submission).

Conditions:
Osteogenesis imperfecta type 7 (OI7). Also called: OI type 7; OI type VII; OSTEOGENESIS IMPERFECTA, TYPE IIB; Osteogenesis imperfecta type 2B; OI type 2B; Osteogenesis imperfecta, perinatal lethal autosomal recessive. Identifiers: MedGen C1853162, MONDO:0012536, OMIM 610682.

Allele frequency attached by ClinVar (database versions not stated): gnomAD 0.00440 and 0.00447; TOPMed 0.00492; 1000 Genomes Project 30x 0.00547; 1000 Genomes Project 0.00579; gnomAD exomes 0.00617.
gnomAD v4.1: 684 of 152,472 alleles (0.45%); highest among the groups gnomAD compares: Middle Eastern, 1%; 5 homozygotes.

Submission:

Illumina Laboratory Services, Illumina
Classification: Likely benign for Osteogenesis imperfecta type 7. Last evaluated: 2018-01-12. Review status: criteria provided, single submitter. Criteria: ICSL Variant Classification Criteria 13 December 2019. Collection method: clinical testing. Allele origin: germline.
Comment: This variant was observed in the ICSL laboratory as part of a predisposition screen in an ostensibly healthy population. It had not been previously curated by ICSL or reported in the Human Gene Mutation Database (HGMD: prior to June 1st, 2018), and was therefore a candidate for classification through an automated scoring system. Utilizing variant allele frequency, disease prevalence and penetrance estimates, and inheritance mode, an automated score was calculated to assess if this variant is too frequent to cause the disease. Based on the score and internal cut-off values, a variant classified as likely benign is not then subjected to further curation. The score for this variant resulted in a classification of likely benign for this disease.